The following is an entry in ClinVar:

ClinVar aggregate classification (germline): Uncertain significance (1 of 4 stars; one submission).

Conditions:
POLD1-related polyposis and colorectal cancer syndrome (CRCS10). Also called: Colorectal cancer 10; COLORECTAL CANCER, SUSCEPTIBILITY TO, ON CHROMOSOME 19q; Colorectal cancer, susceptibility to, 10. Identifiers: Orphanet 220460, MedGen C2675481, MONDO:0012953, OMIM 612591.

Submission:

Labcorp Genetics (formerly Invitae), Labcorp
Classification: Uncertain significance for POLD1-related polyposis and colorectal cancer syndrome. Last evaluated: 2025-10-01. Review status: criteria provided, single submitter. Criteria: Invitae Variant Classification Sherloc (09022015). Collection method: clinical testing. Allele origin: germline.
Comment: This sequence change replaces threonine, which is neutral and polar, with alanine, which is neutral and non-polar, at codon 473 of the POLD1 protein (p.Thr473Ala). This variant is not present in population databases (gnomAD no frequency). This variant has not been reported in the literature in individuals affected with POLD1-related conditions. ClinVar contains an entry for this variant (Variation ID: 2048781). Invitae Evidence Modeling of protein sequence and biophysical properties (such as structural, functional, and spatial information, amino acid conservation, physicochemical variation, residue mobility, and thermodynamic stability) indicates that this missense variant is expected to disrupt POLD1 protein function with a positive predictive value of 80%. In summary, the available evidence is currently insufficient to determine the role of this variant in disease. Therefore, it has been classified as a Variant of Uncertain Significance.

NM_002691.4(POLD1):c.1417A>G (p.Thr473Ala)

Gene: POLD1 (DNA polymerase delta 1, catalytic subunit; plus strand). Cytogenetic location: 19q13.33.
Variant type: single nucleotide variant.
Coding change: c.1417A>G on transcript NM_002691.4 (MANE Select); coding-DNA position 1417, A replaced by G.
Protein change: p.Thr473Ala; replaces threonine 473 with alanine.
Molecular consequence: missense variant. On other transcripts: non-coding transcript variant (1).
Genome position (GRCh38, 1-based): chr19:50,406,440, A>G. VCF-style: chr19-50406440-A-G. GRCh37 (hg19) VCF-style: chr19-50909697-A-G.
Other names: c.1417A>G, p.Thr473Ala (NM_001256849.1, NM_001308632.1); short protein forms T473A.
Identifiers: ClinVar variation 2048781 (VCV002048781.4), dbSNP rs2513994740, ClinGen allele CA406980084.